The following is an entry in ClinVar:

ClinVar aggregate classification (germline): Uncertain significance (1 of 4 stars; one submission).

gnomAD v4.1: 9 of 1,613,792 alleles (0.00056%); highest among the groups gnomAD compares: Middle Eastern, 0.016%; no homozygotes.

Submission:

Labcorp Genetics (formerly Invitae), Labcorp
Classification: Uncertain significance. Last evaluated: 2025-10-02. Review status: criteria provided, single submitter. Criteria: Invitae Variant Classification Sherloc (09022015). Collection method: clinical testing. Allele origin: germline.
Comment: This sequence change replaces arginine, which is basic and polar, with cysteine, which is neutral and slightly polar, at codon 160 of the CEP63 protein (p.Arg160Cys). This variant is present in population databases (rs147553684, gnomAD 0.02%). This variant has not been reported in the literature in individuals affected with CEP63-related conditions. ClinVar contains an entry for this variant (Variation ID: 2998120). Invitae Evidence Modeling of protein sequence and biophysical properties (such as structural, functional, and spatial information, amino acid conservation, physicochemical variation, residue mobility, and thermodynamic stability) indicates that this missense variant is not expected to disrupt CEP63 protein function with a negative predictive value of 80%. In summary, the available evidence is currently insufficient to determine the role of this variant in disease. Therefore, it has been classified as a Variant of Uncertain Significance.

NM_001353108.3(CEP63):c.478C>T (p.Arg160Cys)

Gene: CEP63 (centrosomal protein 63; plus strand). Cytogenetic location: 3q22.2.
Variant type: single nucleotide variant.
Coding change: c.478C>T on transcript NM_001353108.3 (MANE Select); coding-DNA position 478, C replaced by T.
Protein change: p.Arg160Cys; replaces arginine 160 with cysteine.
Molecular consequence: missense variant. On other transcripts: non-coding transcript variant (4).
Genome position (GRCh38, 1-based): chr3:134,537,191, C>T. VCF-style: chr3-134537191-C-T. GRCh37 (hg19) VCF-style: chr3-134256033-C-T.
Other names: c.478C>T, p.Arg160Cys (NM_001042383.2, NM_001042384.2, NM_001042400.3 and 13 more transcripts); c.505C>T, p.Arg169Cys (NM_001353118.1); c.394C>T, p.Arg132Cys (NM_001353125.2); c.115C>T, p.Arg39Cys (NM_001353126.2); short protein forms R160C, R169C, R132C, R39C.
Identifiers: ClinVar variation 2998120 (VCV002998120.3), dbSNP rs147553684, ClinGen allele CA2628386.